The following is an entry in ClinVar:

ClinVar aggregate classification (germline): Uncertain significance (1 of 4 stars; one submission).

Conditions:
Hereditary cancer-predisposing syndrome. Also called: Neoplastic Syndromes, Hereditary; Tumor predisposition; Hereditary neoplastic syndrome; Hereditary Cancer Syndrome. Identifiers: Orphanet 140162, MedGen C0027672, MeSH D009386, MONDO:0015356.

Submission:

Ambry Genetics
Classification: Uncertain significance for Hereditary cancer-predisposing syndrome. Last evaluated: 2026-07-31. Review status: criteria provided, single submitter. Criteria: Ambry Variant Classification Scheme 2023. Collection method: clinical testing. Allele origin: germline.
Comment: The c.4037_4039dupATG variant (also known as p.D1346dup), located in coding exon 10 of the MSH6 gene, results from an in-frame duplication of ATG at nucleotide positions 4037 to 4039. This results in the duplication of an aspartic acid at codon 1346. This amino acid position is well conserved in available vertebrate species. In addition, this variant is predicted to be neutral by in silico analysis (Choi Y et al. PLoS ONE. 2012; 7(10):e46688). Based on the available evidence, the clinical significance of this variant remains unclear.

NM_000179.3(MSH6):c.4037_4039dup (p.Asp1346_Ala1347insAsp)

Gene: MSH6 (mutS homolog 6; plus strand). Cytogenetic location: 2p16.3.
Variant type: Duplication.
Coding change: c.4037_4039dup on transcript NM_000179.3 (MANE Select); coding-DNA positions 4037 to 4039, 3 bases duplicated (ATG; older notation c.4037_4039dupATG).
Protein change: p.Asp1346_Ala1347insAsp.
Molecular consequence: 3 prime UTR variant (on NM_001406800.1). On other transcripts: non-coding transcript variant (5), inframe indel (1).
Genome position (GRCh38, 1-based): chr2:47,806,814-47,806,816, ATG duplicated; duplicating any 3 consecutive bases within chr2:47,806,813-47,806,816 gives the same sequence; the c. name uses the placement nearest the transcript's 3' end. VCF-style (leftmost placement, unchanged base first): chr2-47806812-A-AGAT. GRCh37 (hg19) VCF-style: chr2-48033951-A-AGAT.
Other names: c.3647_3649dup, p.Asp1216_Ala1217insAsp (NM_001281492.2); c.3131_3133dup, p.Asp1044_Ala1045insAsp (NM_001281493.2, NM_001281494.2, NM_001406811.1 and 6 more transcripts); c.4133_4135dup, p.Asp1378_Ala1379insAsp (NM_001406795.1); c.4037_4039dup, p.Asp1346_Ala1347insAsp (NM_001406796.1, NM_001406809.1); c.3740_3742dup, p.Asp1247_Ala1248insAsp (NM_001406797.1, NM_001406805.1, NM_001406818.1 and 8 more transcripts); c.3863_3865dup, p.Asp1288_Ala1289insAsp (NM_001406798.1); c.3512_3514dup, p.Asp1171_Ala1172insAsp (NM_001406799.1, NM_001406806.1, NM_001406807.1); c.*58_*60dup (NM_001406800.1); and 10 more.
Identifiers: ClinVar variation 5024921 (VCV005024921.1).